The following is an entry in ClinVar:

ClinVar aggregate classification (germline): Pathogenic (1 of 4 stars; one submission).

Conditions:
Maturity-onset diabetes of the young (MODY). Also called: Maturity onset diabetes mellitus in young. Identifiers: Orphanet 552, MedGen C0342276, MONDO:0018911, HP:0004904.

Submission:

Women's Health and Genetics/Laboratory Corporation of America, LabCorp
Classification: Pathogenic for Maturity-onset diabetes of the young. Last evaluated: 2023-06-28. Review status: criteria provided, single submitter. Criteria: LabCorp Variant Classification Summary - May 2015. Collection method: clinical testing. Allele origin: germline.
Comment: Variant summary: The variant identified by MLPA or other technology involves the deletion of exons 1-9 (i.e. the full coding sequence) of the HNF1B gene. A presumed nomenclature of c.(?_-195)_(*942_?)del has been designated for the purposes of this classification. Since exact breakpoints of this deletion are not known, it might extend beyond the assayed region of the HNF1B gene, including other flanking genes. A large deletion that includes the HNF1B gene and affects 14 other genes was found at a frequency of 0.00014 (i.e. 3 alleles) in 21530 control chromosomes (gnomAD structural variants dataset). Full gene deletions of exons 1-9 in HNF1B have been reported in the literature in multiple individuals affected with Maturity Onset Diabetes Of The Young 5 (Renal Cysts And Diabetes Syndrome)(e.g. Raile_2009). These data indicate that the variant is very likely to be associated with disease. The following publication has been ascertained in the context of this evaluation (PMID: 19417042). One submitter has provided a clinical-significance assessment for this variant to ClinVar after 2014 and has classified the variant as pathogenic. Based on the evidence outlined above, the variant was classified as pathogenic.

Literature cited by the submitters: PubMed 19417042.

NC_000017.10:g.(?_36046433)_(36105070_?)del

Gene: HNF1B (HNF1 homeobox B; minus strand). Cytogenetic location: 17q12.
Variant type: Deletion.
Identifiers: ClinVar variation 2573411 (VCV002573411.1).